The following is an entry in ClinVar:

ClinVar aggregate classification (germline): Uncertain significance (1 of 4 stars; one submission).

Conditions:
Leigh syndrome (NULS). Also called: Leigh's necrotizing encephalopathy; Leigh's disease; Leigh Syndrome (mtDNA deletion); Leigh Disease; Subacute necrotizing encephalopathy; Necrotizing encephalopathy infantile subacute of Leigh. Identifiers: Orphanet 506, MedGen C2931891, MONDO:0009723, OMIM 256000.

Submission:

Wong Mito Lab, Molecular and Human Genetics, Baylor College of Medicine
Classification: Uncertain significance for Leigh syndrome. Last evaluated: 2019-10-17. Review status: criteria provided, single submitter. Criteria: Modified ACMG Guidelines (Unpublished). Collection method: clinical testing. Allele origin: germline.
Comment: The NC_012920.1:m.11111T>C (YP_003024035.1:p.Phe118Leu) variant in MTND4 gene is interpretated to be a Uncertain Significance variant based on the modified ACMG guidelines (unpublished). This variant meets the following evidence codes: BP4

NC_012920.1(MT-ND4):m.11111T>C

Gene: MT-ND4 (mitochondrially encoded NADH dehydrogenase 4; plus strand).
Variant type: single nucleotide variant.
Genome position: chrM-11111-T-C.
Identifiers: ClinVar variation 693342 (VCV000693342.1), dbSNP rs1603223109, ClinGen allele CA414809482.